The following is an entry in ClinVar:

NM_000441.2(SLC26A4):c.1717G>C (p.Asp573His)

Gene: SLC26A4 (solute carrier family 26 member 4; plus strand). Cytogenetic location: 7q22.3.
Variant type: single nucleotide variant.
Coding change: c.1717G>C on transcript NM_000441.2 (MANE Select); coding-DNA position 1717, G replaced by C.
Protein change: p.Asp573His; replaces aspartic acid 573 with histidine.
Molecular consequence: missense variant.
Genome position (GRCh38, 1-based): chr7:107,701,110, G>C. VCF-style: chr7-107701110-G-C. GRCh37 (hg19) VCF-style: chr7-107341555-G-C.
Other names: short protein forms D573H.
Identifiers: ClinVar variation 2445631 (VCV002445631.2), dbSNP rs2535336810, ClinGen allele CA368842834.

ClinVar aggregate classification (germline): Likely pathogenic (1 of 4 stars; one submission).

Conditions:
Autosomal recessive nonsyndromic hearing loss 4 (DFNB4). Also called: NEUROSENSORY NONSYNDROMIC RECESSIVE DEAFNESS 4; FOXI1-Related Pendred Syndrome; KCNJ10-Related Pendred Syndrome; DEAFNESS, AUTOSOMAL RECESSIVE 4, WITH ENLARGED VESTIBULAR AQUEDUCT, DIGENIC; Deafness, autosomal recessive 4, with enlarged vestibular aqueduct; Enlarged vestibular aqueduct, digenic. Identifiers: Orphanet 90636, MedGen C3538946, MONDO:0010933, OMIM 600791.

Submission:

King Laboratory, University of Washington
Classification: Likely pathogenic for Deafness, autosomal recessive 4. Last evaluated: 2023-02-28. Review status: criteria provided, single submitter. Criteria: Li et al. (Genet Med. 2022). Collection method: research. Allele origin: unknown. Affected: yes.
Comment: This variant is a missense at a completely conserved site in the STAS domain of the Pendrin protein and is predicted to be damaging by multiple in-silico tools. As of January 2023, this variant has not been reported to ClinVar and is not found on gnomAD. Based on compound heterozygosity with a pathogenic variant, consistently predicted functional effect, and goodness of fit of genotype to phenotype, we conclude that this variant is likely pathogenic.

Literature cited by the submitters: PubMed 36633841.